The following is an entry in ClinVar:

NM_001113378.2(FANCI):c.2777A>C (p.Lys926Thr)

Gene: FANCI (FA complementation group I; plus strand). Cytogenetic location: 15q26.1.
Variant type: single nucleotide variant.
Coding change: c.2777A>C on transcript NM_001113378.2 (MANE Select); coding-DNA position 2777, A replaced by C.
Protein change: p.Lys926Thr; replaces lysine 926 with threonine.
Molecular consequence: missense variant.
Genome position (GRCh38, 1-based): chr15:89,299,940, A>C. VCF-style: chr15-89299940-A-C. GRCh37 (hg19) VCF-style: chr15-89843171-A-C.
Other names: c.2498A>C, p.Lys833Thr (NM_001376910.1); c.2777A>C, p.Lys926Thr (NM_001376911.1); c.2597A>C, p.Lys866Thr (NM_018193.3); short protein forms K926T, K833T, K866T.
Identifiers: ClinVar variation 1376700 (VCV001376700.8), dbSNP rs1386770100, ClinGen allele CA393737165.
Genomic context (GRCh38, chr15:89,299,940, plus strand): 5'-TGCTGTGCTTGGAGGGTTTACAGAAAATATTCAGTGCTGTGCAACAGTTCTATCAGCCCA[A>C]GATTCAGCAGTTTCTCAGAGCTCTGGGTAAGCATTGCAGTATCAATAAATAGGCTTGATT-3'
Protein context (NP_001106849.1, residues 916-936): FSAVQQFYQP[Lys926Thr]IQQFLRALDV

ClinVar aggregate classification (germline): Uncertain significance (1 of 4 stars; one submission).

Conditions:
Fanconi anemia (FA). Also called: Fanconi's anemia. Identifiers: Orphanet 84, MedGen C0015625, MeSH D005199, MONDO:0019391.

Submission:

Labcorp Genetics (formerly Invitae), Labcorp
Classification: Uncertain significance for Fanconi anemia. Last evaluated: 2024-05-06. Review status: criteria provided, single submitter. Criteria: Invitae Variant Classification Sherloc (09022015). Collection method: clinical testing. Allele origin: germline.
Comment: This sequence change replaces lysine, which is basic and polar, with threonine, which is neutral and polar, at codon 926 of the FANCI protein (p.Lys926Thr). This variant is not present in population databases (gnomAD no frequency). This variant has not been reported in the literature in individuals affected with FANCI-related conditions. ClinVar contains an entry for this variant (Variation ID: 1376700). An algorithm developed to predict the effect of missense changes on protein structure and function (PolyPhen-2) suggests that this variant is likely to be tolerated. In summary, the available evidence is currently insufficient to determine the role of this variant in disease. Therefore, it has been classified as a Variant of Uncertain Significance.